The following is an entry in ClinVar:

NM_016038.4(SBDS):c.307_308del (p.Gln103fs)

Gene: SBDS (SBDS ribosome maturation factor; minus strand). Cytogenetic location: 7q11.21.
Variant type: Microsatellite.
Coding change: c.307_308del on transcript NM_016038.4 (MANE Select); coding-DNA positions 307 to 308, 2 bases deleted (CA; older notation c.307_308delCA).
Protein change: p.Gln103fs; shifts the reading frame from glutamine 103.
Molecular consequence: frameshift variant.
Genome position (GRCh38, 1-based): chr7:66,993,368-66,993,369, TG deleted on the plus strand (CA on the coding strand, the reverse complement: SBDS is on the minus strand); deleting any 2 consecutive bases within chr7:66,993,368-66,993,376 gives the same sequence; the c. name uses the placement nearest the transcript's 3' end. VCF-style (leftmost placement, unchanged base first): chr7-66993367-TTG-T. GRCh37 (hg19) VCF-style: chr7-66458354-TTG-T.
Other names: short protein forms Q103fs.
Identifiers: ClinVar variation 2678598 (VCV002678598.4), dbSNP rs745661722, ClinGen allele CA4279186.

ClinVar aggregate classification (germline): Pathogenic. Review status: criteria provided, multiple submitters, no conflicts (2 of 4 stars). 3 submissions from 3 submitters: Pathogenic (3). Last evaluated 2025-02-07.

Conditions:
Shwachman-Diamond syndrome 1 (SDS1). Also called: LIPOMATOSIS OF PANCREAS, CONGENITAL. Identifiers: MedGen C4692625, MONDO:0044204, OMIM 260400.
Aplastic anemia. Identifiers: Orphanet 182040, Orphanet 88, MedGen C0002874, MONDO:0015909, OMIM 609135, HP:0001915.

Submissions (3):

Broad Center for Mendelian Genomics, Broad Institute of MIT and Harvard
Classification: Pathogenic for Shwachman-Diamond syndrome 1. Last evaluated: 2025-02-07. Review status: criteria provided, single submitter. Criteria: ACMG Guidelines, 2015. Collection method: curation. Allele origin: germline. Inheritance: Autosomal recessive inheritance.
Comment: The p.Gln103ThrfsTer6 variant in SBDS has been reported, in the compound heterozygous state, in 1 individual with Shwachman-Diamond syndrome (PMID: 15776428) and has been identified in 0.003% (1/30612) of South Asian chromosomes by the Genome Aggregation Database (gnomAD; dbSNP rs749048311). Although this variant has been seen in the general population in a heterozygous state, its frequency is low enough to be consistent with a recessive carrier frequency. The presence of a known pseudogene, SBDSP1, can impact the reliability of allele frequencies. This variant is predicted to cause a frameshift, which alters the protein's amino acid sequence beginning at position 103 and leads to a premature termination codon 6 amino acids downstream. This alteration is then predicted to lead to a truncated or absent protein. Loss of function of the SBDS gene is an established disease mechanism in autosomal recessive Shwachman-Diamond syndrome. In summary, this variant meets criteria to be classified as Pathogenic for autosomal recessive Shwachman-Diamond syndrome. ACMG/AMP Criteria applied: PVS1, PM3, PM2_supporting (Richards 2015).

Fulgent Genetics
Classification: Pathogenic for Shwachman-Diamond syndrome 1; Aplastic anemia. Last evaluated: 2024-03-27. Review status: criteria provided, single submitter. Criteria: ACMG Guidelines, 2015. Collection method: clinical testing. Allele origin: germline.

Baylor Genetics
Classification: Pathogenic for Aplastic anemia. Last evaluated: 2024-02-15. Review status: criteria provided, single submitter. Criteria: ACMG Guidelines, 2015. Collection method: clinical testing. Allele origin: unknown.